The following is an entry in ClinVar:

NM_000540.3(RYR1):c.10450A>G (p.Ile3484Val)

Gene: RYR1 (ryanodine receptor 1; plus strand). Cytogenetic location: 19q13.2.
Variant type: single nucleotide variant.
Coding change: c.10450A>G on transcript NM_000540.3 (MANE Select); coding-DNA position 10450, A replaced by G.
Protein change: p.Ile3484Val; replaces isoleucine 3484 with valine.
Molecular consequence: missense variant. On other transcripts: intron variant (1).
Genome position (GRCh38, 1-based): chr19:38,523,924, A>G. VCF-style: chr19-38523924-A-G. GRCh37 (hg19) VCF-style: chr19-39014564-A-G.
Other names: c.10440+615A>G (NM_001042723.2); short protein forms I3484V.
Identifiers: ClinVar variation 3672421 (VCV003672421.5).

ClinVar aggregate classification (germline): Conflicting classifications of pathogenicity. Review status: criteria provided, conflicting classifications (1 of 4 stars). 4 submissions from 4 submitters: Uncertain significance (3); Likely benign (1). Last evaluated 2025-10-22.

Conditions:
King Denborough syndrome (KDS). Identifiers: MedGen C1840365, MONDO:0020485, OMIM 619542.
Central core myopathy (CMYO1A). Also called: CONGENITAL MYOPATHY 1A, AUTOSOMAL DOMINANT, WITH SUSCEPTIBILITY TO MALIGNANT HYPERTHERMIA; Central core disease; Myopathy, central fibrillar. Identifiers: Orphanet 597, MedGen C5830701, MONDO:0007294, OMIM 117000.
Malignant hyperthermia, susceptibility to, 1 (MHS1). Also called: Anesthesia related hyperthermia; Malignant hyperpyrexia; Fulminating hyperpyrexia; Pharmacogenic myopathy; RYR1-Related Malignant Hyperthermia Susceptibility; Malignant hyperthermia suceptibility 1. Identifiers: Orphanet 423, MedGen C2930980, MONDO:0007783, OMIM 145600.
Congenital multicore myopathy with external ophthalmoplegia (CMYO1B). Also called: MULTICORE MYOPATHY; Congenital myopathy 1B, autosomal recessive; Minicore myopathy; MULTIMINICORE DISEASE WITH EXTERNAL OPHTHALMOPLEGIA; Minicore myopathy with external ophthalmoplegia. Identifiers: Orphanet 598, Orphanet 98905, MedGen C1850674, MONDO:0009712, OMIM 255320, HP:0003789.
RYR1-related disorder. Also called: RYR1-related condition; RYR1-related disorders. Identifiers: MedGen CN239331.
Inborn genetic diseases. Identifiers: MedGen C0950123, MeSH D030342.

gnomAD v4.1: 8 of 1,613,786 alleles (0.0005%); highest among the groups gnomAD compares: Admixed American, 0.0067%; no homozygotes.

Submissions (4):

Ambry Genetics
Classification: Likely benign for Inborn genetic diseases. Last evaluated: 2025-10-22. Review status: criteria provided, single submitter. Criteria: Ambry Variant Classification Scheme 2023. Collection method: clinical testing. Allele origin: germline.

Color Diagnostics, LLC DBA Color Health
Classification: Uncertain significance for Malignant hyperthermia, susceptibility to, 1. Last evaluated: 2025-07-14. Review status: criteria provided, single submitter. Criteria: ACMG Guidelines, 2015. Collection method: clinical testing. Allele origin: germline.
Comment: This missense variant replaces isoleucine with valine at codon 3484 of the RYR1 protein. Computational prediction suggests that this variant may not impact protein structure and function. To our knowledge, functional studies have not been reported for this variant. This variant has not been reported in individuals affected with RYR1-related disorders in the literature. This variant has been identified in 3/251092 chromosomes in the general population by the Genome Aggregation Database (gnomAD). The available evidence is insufficient to determine the role of this variant in disease conclusively. Therefore, this variant is classified as a Variant of Uncertain Significance.

Labcorp Genetics (formerly Invitae), Labcorp
Classification: Uncertain significance for RYR1-related disorder. Last evaluated: 2024-03-16. Review status: criteria provided, single submitter. Criteria: Invitae Variant Classification Sherloc (09022015). Collection method: clinical testing. Allele origin: germline.
Comment: This sequence change replaces isoleucine, which is neutral and non-polar, with valine, which is neutral and non-polar, at codon 3484 of the RYR1 protein (p.Ile3484Val). This variant is present in population databases (rs746938079, gnomAD 0.006%). This variant has not been reported in the literature in individuals affected with RYR1-related conditions. Advanced modeling of protein sequence and biophysical properties (such as structural, functional, and spatial information, amino acid conservation, physicochemical variation, residue mobility, and thermodynamic stability) performed at Invitae indicates that this missense variant is not expected to disrupt RYR1 protein function with a negative predictive value of 95%. In summary, the available evidence is currently insufficient to determine the role of this variant in disease. Therefore, it has been classified as a Variant of Uncertain Significance.

Department of Pathology and Laboratory Medicine, Sinai Health System
Classification: Uncertain significance for Central core myopathy; Malignant hyperthermia, susceptibility to, 1; Congenital multicore myopathy with external ophthalmoplegia; King Denborough syndrome. Last evaluated: 2021-07-30. Review status: criteria provided, single submitter. Criteria: ACMG Guidelines, 2015. Collection method: research. Allele origin: germline.